The following is an entry in ClinVar:

ClinVar aggregate classification (germline): Likely pathogenic. Review status: criteria provided, multiple submitters, no conflicts (2 of 4 stars). 2 submissions from 2 submitters: Likely pathogenic (2). Last evaluated 2023-11-30.

Conditions:
Familial adenomatous polyposis 2. Also called: MYH-associated polyposis; FAP type 2; MUTYH-associated polyposis; MUTYH-related attenuated familial adenomatous polyposis; Adenomas, multiple colorectal; COLORECTAL ADENOMATOUS POLYPOSIS, AUTOSOMAL RECESSIVE. Identifiers: Orphanet 220460, Orphanet 247798, MedGen C3272841, MONDO:0012041, OMIM 608456.

Allele frequency attached by ClinVar (database versions not stated): gnomAD 0.00001.
gnomAD v4.1: 2 of 1,608,992 alleles (0.00012%); highest among the groups gnomAD compares: African/African-American, 0.0027%; no homozygotes.

Submissions (2):

All of Us Research Program, National Institutes of Health
Classification: Likely pathogenic for Familial adenomatous polyposis 2. Last evaluated: 2023-11-30. Review status: criteria provided, single submitter. Criteria: ACMG Guidelines, 2015. Collection method: clinical testing. Allele origin: germline. Inheritance: Autosomal recessive inheritance. Observed: 1 variant allele, 1 heterozygote.
Comment: This study involves interpretation of variants in research participants for the purpose of population health screening. Participant phenotype was not available at the time of variant classification. Additional details can be found in publication PMID: 35346344, PMCID: PMC8962531

Revvity Omics, Revvity
Classification: Likely pathogenic for Familial adenomatous polyposis 2. Last evaluated: 2019-05-07. Review status: criteria provided, single submitter. Criteria: ACMG Guidelines, 2015. Collection method: clinical testing. Allele origin: germline.

NM_001048174.2(MUTYH):c.1434+1G>C

Gene: MUTYH (mutY DNA glycosylase; minus strand). Cytogenetic location: 1p34.1.
Variant type: single nucleotide variant.
Coding change: c.1434+1G>C on transcript NM_001048174.2 (MANE Select); the canonical splice donor site of the intron after coding-DNA position 1434, G replaced by C.
Molecular consequence: splice donor variant.
Genome position (GRCh38, 1-based): chr1:45,330,515, C>G on the plus strand (G>C on the coding strand, the complement: MUTYH is on the minus strand). VCF-style: chr1-45330515-C-G. GRCh37 (hg19) VCF-style: chr1-45796187-C-G.
Other names: c.1434+1G>C (NM_001407072.1, NM_001407073.1, NM_001048171.2 and 6 more transcripts); c.1089+1G>C (NM_001350651.2, NM_001350650.2, NM_001407082.1); c.1158+1G>C (NM_001293192.2, NM_001293196.2, NM_001407091.1); c.1479+1G>C (NM_001293190.2); c.1467+1G>C (NM_001407069.1, NM_001407077.1, NM_001293191.2); c.1509+1G>C (NM_012222.3); c.1518+1G>C (NM_001128425.2); c.1437+1G>C (NM_001407071.1, NM_001048172.2, NM_001407078.1 and 1 more transcripts); and 5 more.
Identifiers: ClinVar variation 1324752 (VCV001324752.5), dbSNP rs876659420, ClinGen allele CA340132289.